The following is an entry in ClinVar:

ClinVar aggregate classification (germline): Uncertain significance. Review status: criteria provided, single submitter (1 of 4 stars). 2 submissions from 2 submitters: Uncertain significance (1). 1 of the submissions does not count toward it. Last evaluated 2024-12-03.

Conditions:
Hereditary cancer-predisposing syndrome. Also called: Hereditary Cancer Syndrome; Neoplastic Syndromes, Hereditary; Tumor predisposition; Hereditary neoplastic syndrome. Identifiers: Orphanet 140162, MedGen C0027672, MeSH D009386, MONDO:0015356.
Ataxia-telangiectasia syndrome (AT). Also called: Cerebello-oculocutaneous telangiectasia; Immunodeficiency with ataxia telangiectasia; Ataxia-telangiectasia, complementation group E; Ataxia-telangiectasia, complementation group D; AT, COMPLEMENTATION GROUP C; ATAXIA-TELANGIECTASIA, COMPLEMENTATION GROUP A. Identifiers: Orphanet 100, MedGen C0004135, MONDO:0008840, OMIM 208900.

Submissions (2):

Ambry Genetics
Classification: Uncertain significance for Hereditary cancer-predisposing syndrome. Last evaluated: 2024-12-03. Review status: criteria provided, single submitter. Criteria: Ambry Variant Classification Scheme 2023. Collection method: clinical testing. Allele origin: germline.
Comment: The c.7126_7128delAGT variant (also known as p.S2376del) is located in coding exon 48 of the ATM gene. This variant results from an in-frame AGT deletion at nucleotide positions 7126 to 7128. This results in the in-frame deletion of a serine at codon 2376. This amino acid position is poorly conserved in available vertebrate species. In addition, this alteration is predicted to be neutral by in silico analysis (Choi Y et al. PLoS ONE. 2012; 7(10):e46688). Based on the available evidence, the clinical significance of this variant remains unclear.

Counsyl
Classification: Uncertain significance for Ataxia-telangiectasia syndrome. Last evaluated: 2017-06-05. Review status: no assertion criteria provided. Collection method: clinical testing. Allele origin: unknown. Not counted in ClinVar's aggregate classification.

NM_000051.4(ATM):c.7123AGT[1] (p.Ser2376del)

Genes: ATM (ATM serine/threonine kinase; plus strand), C11orf65 (chromosome 11 open reading frame 65; minus strand). Cytogenetic location: 11q22.3.
Variant type: Microsatellite.
Coding change: c.7123AGT[1] on transcript NM_000051.4 (MANE Select); one copy of the 3-base unit AGT starting at c.7123; the reference has two copies in a row; one copy, 3 bases deleted.
Protein change: p.Ser2376del; deletes serine 2376.
Molecular consequence: inframe deletion. On other transcripts: inframe indel (1), intron variant (2).
Genome position (GRCh38, 1-based): chr11:108,329,057-108,329,059, AGT deleted; deleting any 3 consecutive bases within chr11:108,329,054-108,329,059 gives the same sequence; the position shown is the placement nearest the transcript's 3' end. VCF-style (leftmost placement, unchanged base first): chr11-108329053-AAGT-A. GRCh37 (hg19) VCF-style: chr11-108199780-AAGT-A.
Other names: c.7126_7128delAGT (NM_000051.3); c.7123AGT[1], p.Ser2376del (NM_001351834.2); c.641-19985_641-19983del (NM_001330368.2); c.*38+6164_*38+6166del (NM_001351110.2); short protein forms S2376del.
Identifiers: ClinVar variation 552323 (VCV000552323.5), dbSNP rs1555121978, ClinGen allele CA658821315.
Genomic context (GRCh38, chr11:108,329,053, plus strand): 5'-AATTTAAATTGGTTGTGTTTTCTTGAAGGCAGTAGAAGTTGCTGGAAATTATGATGGAGA[AAGT>A]AGTGATGAGCTAAGAAATGGAAAAATGAAGGCATTTCTCTCATTAGCCCGGTTTTCAGAT-3'